The following is an entry in ClinVar:

NM_015656.2(KIF26A):c.3286C>A (p.Leu1096Met)

Gene: KIF26A (kinesin family member 26A; plus strand). Cytogenetic location: 14q32.33.
Variant type: single nucleotide variant.
Coding change: c.3286C>A on transcript NM_015656.2 (MANE Select); coding-DNA position 3286, C replaced by A.
Protein change: p.Leu1096Met; replaces leucine 1096 with methionine.
Molecular consequence: missense variant.
Genome position (GRCh38, 1-based): chr14:104,176,074, C>A. VCF-style: chr14-104176074-C-A. GRCh37 (hg19) VCF-style: chr14-104642411-C-A.
Other names: short protein forms L1096M.
Identifiers: ClinVar variation 5039731 (VCV005039731.1).

ClinVar aggregate classification (germline): Likely benign (1 of 4 stars; one submission).

Submission:

CeGaT Center for Human Genetics Tuebingen
Classification: Likely benign. Last evaluated: 2026-07-01. Review status: criteria provided, single submitter. Criteria: CeGaT Center For Human Genetics Tuebingen Variant Classification Criteria Version 2. Collection method: clinical testing. Allele origin: germline. Affected: yes. Observed: 1 variant allele.
Comment: KIF26A: BP4